The following is an entry in ClinVar:

ClinVar aggregate classification (germline): Pathogenic (1 of 4 stars; one submission).

Conditions:
Dilated cardiomyopathy 1G (CMD1G). Identifiers: Orphanet 154, MedGen C1858763, MONDO:0011400, OMIM 604145.
Autosomal recessive limb-girdle muscular dystrophy type 2J (LGMDR10). Also called: Limb-girdle muscular dystrophy, type 2J; MUSCULAR DYSTROPHY, LIMB-GIRDLE, AUTOSOMAL RECESSIVE 10. Identifiers: Orphanet 140922, MedGen C1837342, MONDO:0012127, OMIM 608807.

Allele frequency attached by ClinVar (database versions not stated): TOPMed below 0.00001.

Submission:

Labcorp Genetics (formerly Invitae), Labcorp
Classification: Pathogenic for Dilated cardiomyopathy 1G; Autosomal recessive limb-girdle muscular dystrophy type 2J. Last evaluated: 2024-11-04. Review status: criteria provided, single submitter. Criteria: Invitae Variant Classification Sherloc (09022015). Collection method: clinical testing. Allele origin: germline.
Comment: This sequence change affects an acceptor splice site in intron 40 of the TTN gene. It is expected to disrupt RNA splicing and likely results in a truncated or disrupted TTN protein. This variant is not present in population databases (gnomAD no frequency). Disruption of this splice site has been observed in individual(s) with autosomal dominant dilated cardiomyopathy (PMID: 33996946; internal data). In at least one individual the variant was observed to be de novo. ClinVar contains an entry for this variant (Variation ID: 2937594). Algorithms developed to predict the effect of sequence changes on RNA splicing suggest that this variant may disrupt the consensus splice site. This variant is located in the I band of TTN (PMID: 25589632). Truncating variants in this region have been reported in individuals affected with autosomal recessive centronuclear myopathy (PMID: 23975875, internal data). Truncating variants in this region have also been identified in individuals affected with autosomal dominant dilated cardiomyopathy and/or cardio-related conditions (PMID: 27869827, 32964742, internal data). For these reasons, this variant has been classified as Pathogenic.

Literature cited by the submitters: PubMed 33996946; PubMed 25589632; PubMed 23975875; PubMed 27869827; PubMed 32964742.

NM_001267550.2(TTN):c.9472-1G>C

Gene: TTN (titin; minus strand). Cytogenetic location: 2q31.2.
Variant type: single nucleotide variant.
Coding change: c.9472-1G>C on transcript NM_001267550.2 (MANE Select); the canonical splice acceptor site of the intron before coding-DNA position 9472, G replaced by C.
Molecular consequence: splice acceptor variant.
Genome position (GRCh38, 1-based): chr2:178,766,613, C>G on the plus strand (G>C on the coding strand, the complement: TTN is on the minus strand). VCF-style: chr2-178766613-C-G. GRCh37 (hg19) VCF-style: chr2-179631340-C-G.
Other names: c.9334-1G>C (NM_003319.4, NM_133437.4, NM_133432.3); c.9472-1G>C (NM_133378.4, NM_001256850.1, NM_133379.5).
Identifiers: ClinVar variation 2937594 (VCV002937594.3), dbSNP rs2090472968, ClinGen allele CA349675088.
Genomic context (GRCh38, chr2:178,766,613, plus strand): 5'-GGCATCAACATCGTCTTCATTGACCTCAAATTCAACAACAGCACGCTGTTTCTCAATGAC[C>G]TGTTGATGGAACAACATAAAAAAACAACAACAACAACAAAAACTTGAAGCTCTGGTTTCC-3'